The following is an entry in ClinVar:

NM_001243197.2(IQSEC2):c.15del (p.Arg6fs)

Gene: IQSEC2 (IQ motif and Sec7 domain ArfGEF 2; minus strand). Cytogenetic location: Xp11.22.
Variant type: Deletion.
Coding change: c.15del on transcript NM_001243197.2 (MANE Plus Clinical); coding-DNA position 15, one base deleted (G; older notation c.15delG).
Protein change: p.Arg6fs; shifts the reading frame from arginine 6.
Molecular consequence: frameshift variant. On other transcripts: intron variant (2).
Genome position (GRCh38, 1-based): chrX:53,281,507, C deleted on the plus strand (G on the coding strand, the reverse complement: IQSEC2 is on the minus strand); the first of 3 consecutive C bases (chrX:53,281,507-53,281,509); deleting any one gives the same sequence. VCF-style (leftmost placement, unchanged base first): chrX-53281506-TC-T. GRCh37 (hg19) VCF-style: chrX-53310688-TC-T.
Other names: c.15del, p.Arg6fs (NM_015075.2); c.737+10388del (NM_001410736.1, NM_001111125.3); short protein forms R6fs.
Identifiers: ClinVar variation 3251989 (VCV003251989.1), dbSNP rs1556870861.

ClinVar aggregate classification (germline): Likely pathogenic (1 of 4 stars; one submission).

Conditions:
Intellectual developmental disorder, X-linked 1. Also called: Atkin Flaitz Patil Smith syndrome; MENTAL RETARDATION, X-LINKED 18; MENTAL RETARDATION, X-LINKED 78; Intellectual disability, X-linked 1. Identifiers: Orphanet 777, MedGen C2931498, MONDO:0010656, OMIM 309530.

Submission:

Diagnostics Services (NGS), CSIR - Centre For Cellular And Molecular Biology
Classification: Likely pathogenic for Intellectual developmental disorder, X-linked 1. Last evaluated: 2024-03-20. Review status: criteria provided, single submitter. Criteria: ACMG Guidelines, 2015. Collection method: clinical testing. Allele origin: germline. Affected: yes. Observed: 1 variant allele, 1 hemizygote.
Comment: The c.15del variant is not present in publicly available population databases like 1000 Genomes, EVS, ExAC, Indian Exome Database or our in-house exome database. This variant has neither been published in the literature in individuals with IQSEC2-related conditions nor reported to the clinical databases like Human Genome Mutation Database (HGMD), ClinVar or OMIM, in any affected individuals. In-silico pathogenicity prediction programs like SIFT, PolyPhen-2, MutationTaster2, CADD, etc predicted this variant to be likely deleterious however these predictions were not confirmed by published functional studies. This variant is located in a mutational hot spot region of the gene.